The following is an entry in ClinVar:

ClinVar aggregate classification (germline): Uncertain significance (1 of 4 stars; one submission).

Conditions:
Duchenne muscular dystrophy (DMD). Also called: Duchenne Muscular Dystrophy (DMD); MUSCULAR DYSTROPHY, PSEUDOHYPERTROPHIC PROGRESSIVE, DUCHENNE TYPE. Identifiers: Orphanet 98896, MedGen C0013264, MONDO:0010679, OMIM 310200.

Submission:

Labcorp Genetics (formerly Invitae), Labcorp
Classification: Uncertain significance for Duchenne muscular dystrophy. Last evaluated: 2019-09-12. Review status: criteria provided, single submitter. Criteria: Invitae Variant Classification Sherloc (09022015). Collection method: clinical testing. Allele origin: germline.
Comment: This sequence change affects codon 2979 of the DMD mRNA. It is a 'silent' change, meaning that it does not change the encoded amino acid sequence of the DMD protein. This variant also falls at the last nucleotide of exon 59 of the DMD coding sequence, which is part of the consensus splice site for this exon. In summary, the available evidence is currently insufficient to determine the role of this variant in disease. Therefore, it has been classified as a Variant of Uncertain Significance. Nucleotide substitutions within the consensus splice site are a relatively common cause of aberrant splicing (PMID: 17576681, 9536098). Algorithms developed to predict the effect of sequence changes on RNA splicing suggest that this variant may disrupt the consensus splice site, but this prediction has not been confirmed by published transcriptional studies. This variant has not been reported in the literature in individuals with DMD-related conditions. This variant is not present in population databases (ExAC no frequency).

Literature cited by the submitters: PubMed 17576681; PubMed 9536098.

NM_004006.3(DMD):c.8937G>A (p.Lys2979=)

Gene: DMD (dystrophin; minus strand). Cytogenetic location: Xp21.2.
Variant type: single nucleotide variant.
Coding change: c.8937G>A on transcript NM_004006.3 (MANE Select); coding-DNA position 8937, G replaced by A.
Protein change: p.Lys2979=; no amino-acid change (lysine 2979 retained).
Molecular consequence: synonymous variant.
Genome position (GRCh38, 1-based): chrX:31,478,106, C>T on the plus strand (G>A on the coding strand, the complement: DMD is on the minus strand). VCF-style: chrX-31478106-C-T. GRCh37 (hg19) VCF-style: chrX-31496223-C-T.
Other names: c.8913G>A, p.Lys2971= (NM_000109.4); c.8925G>A, p.Lys2975= (NM_004009.3); c.8568G>A, p.Lys2856= (NM_004010.3); c.4914G>A, p.Lys1638= (NM_004011.4); c.4905G>A, p.Lys1635= (NM_004012.4); c.1557G>A, p.Lys519= (NM_004013.3, NM_004020.4, NM_004021.3 and 2 more transcripts); c.750G>A, p.Lys250= (NM_004014.3).
Identifiers: ClinVar variation 938043 (VCV000938043.8), dbSNP rs2067940140, ClinGen allele CA515857867.